The following is an entry in ClinVar:

ClinVar aggregate classification (germline): Likely benign (1 of 4 stars; one submission).

Submission:

Women's Health and Genetics/Laboratory Corporation of America, LabCorp
Classification: Likely benign. Last evaluated: 2025-11-20. Review status: criteria provided, single submitter. Criteria: LabCorp Variant Classification Summary - May 2015. Collection method: clinical testing. Allele origin: germline.
Comment: Variant summary: SHANK3 c.5146C>A (p.Pro1716Thr) (also known as c.5185C>A; p.Pro1729Thr in RefSeq) results in a non-conservative amino acid change in the encoded protein sequence. Algorithms developed to predict the effect of missense changes on protein structure and function are either unavailable or do not agree on the potential impact of this missense change. The variant allele was found at a frequency of 0.0037 in 1486778 control chromosomes in the gnomAD v4 database, including 15 homozygotes. The observed variant frequency exceeds the estimated maximal expected allele frequency for disease-causing variants in SHANK3. c.5146C>A has been observed in individuals with clinical features of Phelan-McDermid Syndrome, but has also been detected in unaffected individuals (e.g., Durand_2006, Moessner_2007, Lassmann_2020). These reports do not provide unequivocal conclusions about association of the variant with Phelan-McDermid Syndrome. To our knowledge, no experimental evidence demonstrating an impact on protein function has been reported. The following publications have been ascertained in the context of this evaluation (PMID: 17173049, 17999366, 33303739). ClinVar contains an entry for this variant (Variation ID: 212176). Based on the evidence outlined above, the variant was classified as likely benign.

Literature cited by the submitters: PubMed 33303739; PubMed 17173049; PubMed 17999366.

NM_001372044.2(SHANK3):c.5146C>A (p.Pro1716Thr)

Gene: SHANK3 (SH3 and multiple ankyrin repeat domains 3; plus strand). Cytogenetic location: 22q13.33.
Variant type: single nucleotide variant.
Coding change: c.5146C>A on transcript NM_001372044.2 (MANE Select); coding-DNA position 5146, C replaced by A.
Protein change: p.Pro1716Thr; replaces proline 1716 with threonine.
Molecular consequence: missense variant.
Genome position (GRCh38, 1-based): chr22:50,731,037, C>A. VCF-style: chr22-50731037-C-A. GRCh37 (hg19) VCF-style: chr22-51169465-C-A.
Other names: short protein forms P1716T.
Identifiers: ClinVar variation 4537263 (VCV004537263.1).